The following is an entry in ClinVar:

ClinVar aggregate classification (germline): Uncertain significance (1 of 4 stars; one submission).

Submission:

Labcorp Genetics (formerly Invitae), Labcorp
Classification: Uncertain significance. Last evaluated: 2023-08-10. Review status: criteria provided, single submitter. Criteria: Invitae Variant Classification Sherloc (09022015). Collection method: clinical testing. Allele origin: germline.
Comment: In summary, the available evidence is currently insufficient to determine the role of this variant in disease. Therefore, it has been classified as a Variant of Uncertain Significance. Advanced modeling of protein sequence and biophysical properties (such as structural, functional, and spatial information, amino acid conservation, physicochemical variation, residue mobility, and thermodynamic stability) performed at Invitae indicates that this missense variant is not expected to disrupt GRIN2D protein function. This variant has not been reported in the literature in individuals affected with GRIN2D-related conditions. The frequency data for this variant in the population databases is considered unreliable, as metrics indicate insufficient coverage at this position in the gnomAD database. This sequence change replaces glycine, which is neutral and non-polar, with alanine, which is neutral and non-polar, at codon 1073 of the GRIN2D protein (p.Gly1073Ala).

NM_000836.4(GRIN2D):c.3218G>C (p.Gly1073Ala)

Gene: GRIN2D (glutamate ionotropic receptor NMDA type subunit 2D; plus strand). Cytogenetic location: 19q13.33.
Variant type: single nucleotide variant.
Coding change: c.3218G>C on transcript NM_000836.4 (MANE Select); coding-DNA position 3218, G replaced by C.
Protein change: p.Gly1073Ala; replaces glycine 1073 with alanine.
Molecular consequence: missense variant.
Genome position (GRCh38, 1-based): chr19:48,443,144, G>C. VCF-style: chr19-48443144-G-C. GRCh37 (hg19) VCF-style: chr19-48946401-G-C.
Other names: short protein forms G1073A.
Identifiers: ClinVar variation 2956746 (VCV002956746.3), dbSNP rs2513692781, ClinGen allele CA406675128.